The following is an entry in ClinVar:

NM_001130145.3(YAP1):c.680C>T (p.Ser227Leu)

Gene: YAP1 (Yes1 associated transcriptional regulator; plus strand). Cytogenetic location: 11q22.1.
Variant type: single nucleotide variant.
Coding change: c.680C>T on transcript NM_001130145.3 (MANE Select); coding-DNA position 680, C replaced by T.
Protein change: p.Ser227Leu; replaces serine 227 with leucine.
Molecular consequence: missense variant.
Genome position (GRCh38, 1-based): chr11:102,162,563, C>T. VCF-style: chr11-102162563-C-T. GRCh37 (hg19) VCF-style: chr11-102033294-C-T.
Other names: c.680C>T, p.Ser227Leu (NM_001195044.2, NM_001282097.2, NM_001282098.2 and 4 more transcripts); c.146C>T, p.Ser49Leu (NM_001195045.2); short protein forms S49L, S227L.
Identifiers: ClinVar variation 2198217 (VCV002198217.4), dbSNP rs376161041, ClinGen allele CA6246278.

ClinVar aggregate classification (germline): Uncertain significance (1 of 4 stars; one submission).

Allele frequency attached by ClinVar (database versions not stated): gnomAD 0.00002; TOPMed 0.00004; ExAC 0.00007; ESP Exome Variant Server 0.00008.
gnomAD v4.1: 56 of 1,613,936 alleles (0.0035%); highest among the groups gnomAD compares: South Asian, 0.022%; no homozygotes.

Submission:

Labcorp Genetics (formerly Invitae), Labcorp
Classification: Uncertain significance. Last evaluated: 2025-07-07. Review status: criteria provided, single submitter. Criteria: Invitae Variant Classification Sherloc (09022015). Collection method: clinical testing. Allele origin: germline.
Comment: This sequence change replaces serine, which is neutral and polar, with leucine, which is neutral and non-polar, at codon 227 of the YAP1 protein (p.Ser227Leu). This variant is present in population databases (rs376161041, gnomAD 0.01%). This missense change has been observed in individual(s) with clinical features of YAP1-related conditions (PMID: 24462371, 38649797). ClinVar contains an entry for this variant (Variation ID: 2198217). Invitae Evidence Modeling of protein sequence and biophysical properties (such as structural, functional, and spatial information, amino acid conservation, physicochemical variation, residue mobility, and thermodynamic stability) indicates that this missense variant is not expected to disrupt YAP1 protein function with a negative predictive value of 80%. In summary, the available evidence is currently insufficient to determine the role of this variant in disease. Therefore, it has been classified as a Variant of Uncertain Significance.

Literature cited by the submitters: PubMed 24462371; PubMed 38649797.